The following is an entry in ClinVar:

ClinVar aggregate classification (germline): Uncertain significance. Review status: criteria provided, multiple submitters, no conflicts (2 of 4 stars). 2 submissions from 2 submitters: Uncertain significance (2). Last evaluated 2023-06-16.

Conditions:
3-hydroxy-3-methylglutaryl-CoA synthase deficiency (HMGCS2D). Also called: HMG-CoA synthase-2 deficiency; HMGCS2 DEFICIENCY; MITOCHONDRIAL HMG-CoA SYNTHASE DEFICIENCY. Identifiers: Orphanet 35701, MedGen C2751532, MONDO:0011614, OMIM 605911.

Allele frequency attached by ClinVar (database versions not stated): gnomAD exomes 0.00009; ExAC 0.00012; 1000 Genomes Project 30x 0.00016; gnomAD 0.00018 and 0.00021; 1000 Genomes Project 0.00020; TOPMed 0.00027; ESP Exome Variant Server 0.00031.
gnomAD v4.1: 96 of 1,614,158 alleles (0.0059%); highest among the groups gnomAD compares: African/African-American, 0.051%; no homozygotes.

Submissions (2):

GeneDx
Classification: Uncertain significance. Last evaluated: 2023-06-16. Review status: criteria provided, single submitter. Criteria: GeneDx Variant Classification Process June 2021. Collection method: clinical testing. Allele origin: germline. Affected: yes.
Comment: Missense variants in this gene are often considered pathogenic (HGMD); In silico analysis supports that this missense variant has a deleterious effect on protein structure/function; Has not been previously published as pathogenic or benign to our knowledge

Labcorp Genetics (formerly Invitae), Labcorp
Classification: Uncertain significance for 3-hydroxy-3-methylglutaryl-CoA synthase deficiency. Last evaluated: 2022-08-10. Review status: criteria provided, single submitter. Criteria: Invitae Variant Classification Sherloc (09022015). Collection method: clinical testing. Allele origin: germline.
Comment: This sequence change replaces arginine, which is basic and polar, with histidine, which is basic and polar, at codon 116 of the HMGCS2 protein (p.Arg116His). This variant is present in population databases (rs147906427, gnomAD 0.07%). This variant has not been reported in the literature in individuals affected with HMGCS2-related conditions. ClinVar contains an entry for this variant (Variation ID: 577951). Advanced modeling of protein sequence and biophysical properties (such as structural, functional, and spatial information, amino acid conservation, physicochemical variation, residue mobility, and thermodynamic stability) performed at Invitae indicates that this missense variant is expected to disrupt HMGCS2 protein function. In summary, the available evidence is currently insufficient to determine the role of this variant in disease. Therefore, it has been classified as a Variant of Uncertain Significance.

NM_005518.4(HMGCS2):c.347G>A (p.Arg116His)

Gene: HMGCS2 (3-hydroxy-3-methylglutaryl-CoA synthase 2; minus strand). Cytogenetic location: 1p12.
Variant type: single nucleotide variant.
Coding change: c.347G>A on transcript NM_005518.4 (MANE Select); coding-DNA position 347, G replaced by A.
Protein change: p.Arg116His; replaces arginine 116 with histidine.
Molecular consequence: missense variant.
Genome position (GRCh38, 1-based): chr1:119,764,384, C>T on the plus strand (G>A on the coding strand, the complement: HMGCS2 is on the minus strand). VCF-style: chr1-119764384-C-T. GRCh37 (hg19) VCF-style: chr1-120307007-C-T.
Other names: c.347G>A, p.Arg116His (NM_001166107.1); short protein forms R116H.
Identifiers: ClinVar variation 577951 (VCV000577951.7), dbSNP rs147906427, ClinGen allele CA1037906.